The following is an entry in ClinVar:

ClinVar aggregate classification (germline): Uncertain significance. Review status: criteria provided, multiple submitters, no conflicts (2 of 4 stars). 2 submissions from 2 submitters: Uncertain significance (2). Last evaluated 2025-02-11.

Conditions:
Cardiovascular phenotype. Identifiers: MedGen CN230736.
Long QT syndrome (LQTS). Identifiers: MedGen C0023976, MeSH D008133, MONDO:0002442. Disease mechanism: loss of function. Inheritance: Various modes of inheritance.

Allele frequency attached by ClinVar (database versions not stated): TOPMed below 0.00001; ExAC 0.00001; gnomAD exomes 0.00001.
gnomAD v4.1: 4 of 1,613,982 alleles (0.00025%); highest among the groups gnomAD compares: Admixed American, 0.0067%; no homozygotes.

Submissions (2):

Labcorp Genetics (formerly Invitae), Labcorp
Classification: Uncertain significance for Long QT syndrome. Last evaluated: 2025-02-11. Review status: criteria provided, single submitter. Criteria: Invitae Variant Classification Sherloc (09022015). Collection method: clinical testing. Allele origin: germline.
Comment: This sequence change replaces serine, which is neutral and polar, with arginine, which is basic and polar, at codon 31 of the AKAP9 protein (p.Ser31Arg). This variant is present in population databases (rs757953782, gnomAD 0.003%). This variant has not been reported in the literature in individuals affected with AKAP9-related conditions. ClinVar contains an entry for this variant (Variation ID: 1766858). An algorithm developed to predict the effect of missense changes on protein structure and function (PolyPhen-2) suggests that this variant is likely to be tolerated. In summary, the available evidence is currently insufficient to determine the role of this variant in disease. Therefore, it has been classified as a Variant of Uncertain Significance.

Ambry Genetics
Classification: Uncertain significance for Cardiovascular phenotype. Last evaluated: 2022-01-04. Review status: criteria provided, single submitter. Criteria: Ambry Variant Classification Scheme 2023. Collection method: clinical testing. Allele origin: germline.
Comment: The p.S31R variant (also known as c.93T>G), located in coding exon 2 of the AKAP9 gene, results from a T to G substitution at nucleotide position 93. The serine at codon 31 is replaced by arginine, an amino acid with dissimilar properties. This amino acid position is poorly conserved in available vertebrate species. In addition, this alteration is predicted to be tolerated by in silico analysis. The evidence for this gene-disease relationship is limited; therefore, the clinical significance of this alteration is unclear.

NM_005751.5(AKAP9):c.93T>G (p.Ser31Arg)

Gene: AKAP9 (A-kinase anchoring protein 9; plus strand). Cytogenetic location: 7q21.2.
Variant type: single nucleotide variant.
Coding change: c.93T>G on transcript NM_005751.5 (MANE Select); coding-DNA position 93, T replaced by G.
Protein change: p.Ser31Arg; replaces serine 31 with arginine.
Molecular consequence: missense variant.
Genome position (GRCh38, 1-based): chr7:91,973,755, T>G. VCF-style: chr7-91973755-T-G. GRCh37 (hg19) VCF-style: chr7-91603069-T-G.
Other names: c.93T>G, p.Ser31Arg (NM_147185.3); short protein forms S31R.
Identifiers: ClinVar variation 1766858 (VCV001766858.3), dbSNP rs757953782, ClinGen allele CA4335731.